The following is an entry in ClinVar:

ClinVar aggregate classification (germline): Uncertain significance. Review status: criteria provided, multiple submitters, no conflicts (2 of 4 stars). 3 submissions from 3 submitters: Uncertain significance (3). Last evaluated 2025-12-21.

Conditions:
Familial thoracic aortic aneurysm and aortic dissection (TAAD). Also called: Thoracic aortic aneurysms and dissections. Identifiers: Orphanet 91387, MedGen C4707243, MONDO:0019625.

gnomAD v4.1: 1 of 1,614,042 alleles (0.000062%); highest among the groups gnomAD compares: Non-Finnish European, 0.000085%; no homozygotes.

Submissions (3):

Ambry Genetics
Classification: Uncertain significance for Familial thoracic aortic aneurysm and aortic dissection. Last evaluated: 2025-12-21. Review status: criteria provided, single submitter. Criteria: Ambry Variant Classification Scheme 2023. Collection method: clinical testing. Allele origin: germline.
Comment: The p.K567N variant (also known as c.1701G>C), located in coding exon 13 of the MYH11 gene, results from a G to C substitution at nucleotide position 1701. The lysine at codon 567 is replaced by asparagine, an amino acid with similar properties. This amino acid position is conserved. In addition, this alteration is predicted to be tolerated by in silico analysis. Based on the available evidence, the clinical significance of this variant remains unclear.

All of Us Research Program, National Institutes of Health
Classification: Uncertain significance for Familial thoracic aortic aneurysm and aortic dissection. Last evaluated: 2024-04-16. Review status: criteria provided, single submitter. Criteria: ACMG Guidelines, 2015. Collection method: clinical testing. Allele origin: germline. Inheritance: Autosomal dominant inheritance. Observed: 2 variant alleles, 2 heterozygotes.
Comment: This missense variant replaces lysine with asparagine at codon 574 of the MYH11 protein. Computational prediction suggests that this variant may not impact protein structure and function (internally defined REVEL score threshold <= 0.5, PMID: 27666373). To our knowledge, functional studies have not been reported for this variant. This variant has not been reported in individuals affected with cardiovascular disorders in the literature. This variant has not been identified in the general population by the Genome Aggregation Database (gnomAD). The available evidence is insufficient to determine the role of this variant in disease conclusively. Therefore, this variant is classified as a Variant of Uncertain Significance.

This study involves interpretation of variants in research participants for the purpose of population health screening. Participant phenotype was not available at the time of variant classification. Additional details can be found in publication PMID: 35346344, PMCID: PMC8962531

Color Diagnostics, LLC DBA Color Health
Classification: Uncertain significance for Familial thoracic aortic aneurysm and aortic dissection. Last evaluated: 2024-03-06. Review status: criteria provided, single submitter. Criteria: ACMG Guidelines, 2015. Collection method: clinical testing. Allele origin: germline.
Comment: This missense variant replaces lysine with asparagine at codon 574 of the MYH11 protein. Computational prediction tools indicate that this variant has a neutral impact on protein structure and function. To our knowledge, functional studies have not been reported for this variant. This variant has not been reported in individuals affected with MYH11-related disorders in the literature. This variant has not been identified in the general population by the Genome Aggregation Database (gnomAD). The available evidence is insufficient to determine the role of this variant in disease conclusively. Therefore, this variant is classified as a Variant of Uncertain Significance.

NM_002474.3(MYH11):c.1701G>C (p.Lys567Asn)

Gene: MYH11 (myosin heavy chain 11; minus strand). Cytogenetic location: 16p13.11.
Variant type: single nucleotide variant.
Coding change: c.1701G>C on transcript NM_002474.3 (MANE Select); coding-DNA position 1701, G replaced by C.
Protein change: p.Lys567Asn; replaces lysine 567 with asparagine.
Molecular consequence: missense variant.
Genome position (GRCh38, 1-based): chr16:15,756,389, C>G on the plus strand (G>C on the coding strand, the complement: MYH11 is on the minus strand). VCF-style: chr16-15756389-C-G. GRCh37 (hg19) VCF-style: chr16-15850246-C-G.
Other names: c.1701G>C, p.Lys567Asn (NM_022844.3); c.1722G>C, p.Lys574Asn (NM_001040113.2, NM_001040114.2); c.1701G>C (NM_002474.2); short protein forms K567N, K574N.
Identifiers: ClinVar variation 1332332 (VCV001332332.6), dbSNP rs1415327075, ClinGen allele CA394870340.